The following is an entry in ClinVar:

NM_001040142.2(SCN2A):c.2134A>T (p.Thr712Ser)

Gene: SCN2A (sodium voltage-gated channel alpha subunit 2; plus strand). Cytogenetic location: 2q24.3.
Variant type: single nucleotide variant.
Coding change: c.2134A>T on transcript NM_001040142.2 (MANE Select); coding-DNA position 2134, A replaced by T.
Protein change: p.Thr712Ser; replaces threonine 712 with serine.
Molecular consequence: missense variant.
Genome position (GRCh38, 1-based): chr2:165,326,969, A>T. VCF-style: chr2-165326969-A-T. GRCh37 (hg19) VCF-style: chr2-166183479-A-T.
Other names: c.2134A>T, p.Thr712Ser (NM_001040143.2, NM_001371246.1, NM_001371247.1 and 1 more transcripts); short protein forms T712S.
Identifiers: ClinVar variation 984856 (VCV000984856.3), dbSNP rs1698389721, ClinGen allele CA349029686.

ClinVar aggregate classification (germline): Uncertain significance (1 of 4 stars; one submission).

Conditions:
Complex neurodevelopmental disorder. Identifiers: Orphanet 528084, MedGen C5568766, MONDO:0100038.

Allele frequency attached by ClinVar (database versions not stated): gnomAD exomes below 0.00001; TOPMed below 0.00001.
gnomAD v4.1: 2 of 1,614,006 alleles (0.00012%); highest among the groups gnomAD compares: Non-Finnish European, 0.00017%; no homozygotes.

Submission:

Blueprint Genetics
Classification: Uncertain significance. Last evaluated: 2018-01-12. Review status: criteria provided, single submitter. Criteria: ACMG Guidelines, 2015. Collection method: clinical testing. Allele origin: germline.